The following is an entry in ClinVar:

ClinVar aggregate classification (germline): Benign (1 of 4 stars; one submission).

Conditions:
Mitochondrial complex V (ATP synthase) deficiency, nuclear type 1. Also called: Nuclear-Encoded ATPase Deficiency, ATPAF2-Related; MITOCHONDRIAL COMPLEX V (ATP SYNTHASE) DEFICIENCY, ATPAF2 TYPE. Identifiers: Orphanet 254913, MedGen C3276276, MONDO:0011421, OMIM 604273.

Allele frequency attached by ClinVar (database versions not stated): 1000 Genomes Project 0.00659; 1000 Genomes Project 30x 0.00687; gnomAD 0.00488 and 0.00458; gnomAD exomes 0.00056; TOPMed 0.00518.
gnomAD v4.1: 725 of 212,776 alleles (0.34%); highest among the groups gnomAD compares: African/African-American, 1.6%; 7 homozygotes.

Submission:

Illumina Laboratory Services, Illumina
Classification: Benign for Mitochondrial complex V (ATP synthase) deficiency, nuclear type 1. Last evaluated: 2018-01-12. Review status: criteria provided, single submitter. Criteria: ICSL Variant Classification Criteria 13 December 2019. Collection method: clinical testing. Allele origin: germline.
Comment: This variant was observed in the ICSL laboratory as part of a predisposition screen in an ostensibly healthy population. It had not been previously curated by ICSL or reported in the Human Gene Mutation Database (HGMD: prior to June 1st, 2018), and was therefore a candidate for classification through an automated scoring system. Utilizing variant allele frequency, disease prevalence and penetrance estimates, and inheritance mode, an automated score was calculated to assess if this variant is too frequent to cause the disease. Based on the score and internal cut-off values, a variant classified as benign is not then subjected to further curation. The score for this variant resulted in a classification of benign for this disease.

NM_145691.4(ATPAF2):c.*456T>C

Gene: ATPAF2 (ATP synthase mitochondrial F1 complex assembly factor 2; minus strand). Cytogenetic location: 17p11.2.
Variant type: single nucleotide variant.
Coding change: c.*456T>C on transcript NM_145691.4 (MANE Select); 456 bases downstream of the stop codon, T replaced by C.
Molecular consequence: 3 prime UTR variant.
Genome position (GRCh38, 1-based): chr17:18,018,093, A>G on the plus strand (T>C on the coding strand, the complement: ATPAF2 is on the minus strand). VCF-style: chr17-18018093-A-G. GRCh37 (hg19) VCF-style: chr17-17921407-A-G.
Identifiers: ClinVar variation 322088 (VCV000322088.5), dbSNP rs77980072, ClinGen allele CA10648733.